The following is an entry in ClinVar:

NM_025114.4(CEP290):c.250+1G>A

Gene: CEP290 (centrosomal protein 290; minus strand). Cytogenetic location: 12q21.32.
Variant type: single nucleotide variant.
Coding change: c.250+1G>A on transcript NM_025114.4 (MANE Select); the canonical splice donor site of the intron after coding-DNA position 250, G replaced by A.
Molecular consequence: splice donor variant.
Genome position (GRCh38, 1-based): chr12:88,139,494, C>T on the plus strand (G>A on the coding strand, the complement: CEP290 is on the minus strand). VCF-style: chr12-88139494-C-T. GRCh37 (hg19) VCF-style: chr12-88533271-C-T.
Identifiers: ClinVar variation 2123919 (VCV002123919.4), dbSNP rs2501800454, ClinGen allele CA385988999.

ClinVar aggregate classification (germline): Likely pathogenic (1 of 4 stars; one submission).

Conditions:
Joubert syndrome. Also called: CEREBELLOPARENCHYMAL DISORDER IV; JOUBERT-BOLTSHAUSER SYNDROME; Familial aplasia of the vermis. Identifiers: Orphanet 475, MedGen C5979921, MONDO:0018772.
Nephronophthisis. Also called: Juvenile Nephronophthisis. Identifiers: Orphanet 655, MedGen C0687120, MONDO:0019005, HP:0000090.
Meckel-Gruber syndrome. Also called: DYSENCEPHALIA SPLANCHNOCYSTICA; GRUBER SYNDROME; Dysencephalia splachnocystica. Identifiers: Orphanet 564, MedGen C0265215, MONDO:0018921.

Submission:

Labcorp Genetics (formerly Invitae), Labcorp
Classification: Likely pathogenic for Joubert syndrome; Meckel-Gruber syndrome; Nephronophthisis. Last evaluated: 2022-04-22. Review status: criteria provided, single submitter. Criteria: Invitae Variant Classification Sherloc (09022015). Collection method: clinical testing. Allele origin: germline.
Comment: Algorithms developed to predict the effect of sequence changes on RNA splicing suggest that this variant may disrupt the consensus splice site. This variant has not been reported in the literature in individuals affected with CEP290-related conditions. This variant is not present in population databases (gnomAD no frequency). This sequence change affects a donor splice site in intron 4 of the CEP290 gene. It is expected to disrupt RNA splicing. Variants that disrupt the donor or acceptor splice site typically lead to a loss of protein function (PMID: 16199547), and loss-of-function variants in CEP290 are known to be pathogenic (PMID: 16909394, 17345604, 20690115). In summary, the currently available evidence indicates that the variant is pathogenic, but additional data are needed to prove that conclusively. Therefore, this variant has been classified as Likely Pathogenic.

Literature cited by the submitters: PubMed 16199547; PubMed 16909394; PubMed 17345604; PubMed 20690115.